The following is an entry in ClinVar:

NM_007294.4(BRCA1):c.3743C>T (p.Ala1248Val)

Genes: BRCA1 (BRCA1 DNA repair associated; minus strand), LOC126862571 (BRD4-independent group 4 enhancer GRCh37_chr17:41243136-41244335; plus strand). Cytogenetic location: 17q21.31.
Variant type: single nucleotide variant.
Coding change: c.3743C>T on transcript NM_007294.4 (MANE Select); coding-DNA position 3743, C replaced by T.
Protein change: p.Ala1248Val; replaces alanine 1248 with valine.
Molecular consequence: missense variant. On other transcripts: intron variant (135).
Genome position (GRCh38, 1-based): chr17:43,091,788, G>A on the plus strand (C>T on the coding strand, the complement: BRCA1 is on the minus strand). VCF-style: chr17-43091788-G-A. GRCh37 (hg19) VCF-style: chr17-41243805-G-A.
Other names: c.3530C>T, p.Ala1177Val (NM_001407916.1, NM_001407917.1, NM_001407918.1 and 9 more transcripts); c.3620C>T, p.Ala1207Val (NM_001407919.1, NM_001407937.1, NM_001407938.1 and 19 more transcripts); c.3479C>T, p.Ala1160Val (NM_001407920.1, NM_001407921.1, NM_001407922.1 and 9 more transcripts); c.3602C>T, p.Ala1201Val (NM_001407944.1, NM_001407945.1, NM_001407942.1 and 29 more transcripts); c.3410C>T, p.Ala1137Val (NM_001407946.1, NM_001407947.1, NM_001407948.1 and 6 more transcripts); c.3476C>T, p.Ala1159Val (NM_001407930.1, NM_001407931.1, NM_001407932.1 and 2 more transcripts); c.3407C>T, p.Ala1136Val (NM_001407954.1, NM_001407955.1, NM_001407956.1 and 1 more transcripts); c.3617C>T, p.Ala1206Val (NM_001407940.1, NM_001407941.1, NM_001407649.1 and 11 more transcripts); and 41 more; short protein forms A1248V, A1201V, A1136V, A1206V, A1221V, A1120V, A1159V, A1160V.
Identifiers: ClinVar variation 1364646 (VCV001364646.9), dbSNP rs1339736533, ClinGen allele CA10594480.
Genomic context (GRCh38, chr17:43,091,788, plus strand): 5'-TTTAAGCTATTCTTCAATGATAATAAATTCTCCTCTGTGTTCTTAGACAGACACTCGGTA[G>A]CAACGGTGCTATGCCTAGTAGACTGAGAAGGTATATTGTTTACTTTACCAAATAACAAGT-3'
Protein context (NP_009225.1, residues 1238-1258): PSQSTRHSTV[Ala1248Val]TECLSKNTEE

ClinVar aggregate classification (germline): Conflicting classifications of pathogenicity. Review status: criteria provided, conflicting classifications (1 of 4 stars). 2 submissions from 2 submitters: Uncertain significance (1); Likely benign (1). Last evaluated 2024-10-07.

Conditions:
Hereditary cancer-predisposing syndrome. Also called: Neoplastic Syndromes, Hereditary; Tumor predisposition; Hereditary neoplastic syndrome; Hereditary Cancer Syndrome. Identifiers: Orphanet 140162, MedGen C0027672, MeSH D009386, MONDO:0015356.
Hereditary breast ovarian cancer syndrome. Also called: Hereditary breast and ovarian cancer; Hereditary breast and/or ovarian cancer syndrome; BRCA1- and BRCA2-Associated Hereditary Breast and Ovarian Cancer; Hereditary breast and ovarian cancer syndrome; Hereditary breast and ovarian cancer syndrome (HBOC); Breast and ovarian cancer. Identifiers: Orphanet 145, MedGen C0677776, MeSH D061325, MONDO:0003582. Disease mechanism: loss of function.

Allele frequency attached by ClinVar (database versions not stated): gnomAD exomes below 0.00001.

Submissions (2):

Labcorp Genetics (formerly Invitae), Labcorp
Classification: Uncertain significance for Hereditary breast ovarian cancer syndrome. Last evaluated: 2024-10-07. Review status: criteria provided, single submitter. Criteria: Invitae Variant Classification Sherloc (09022015). Collection method: clinical testing. Allele origin: germline.
Comment: This sequence change replaces alanine, which is neutral and non-polar, with valine, which is neutral and non-polar, at codon 1248 of the BRCA1 protein (p.Ala1248Val). This variant is present in population databases (no rsID available, gnomAD 0.0009%). This variant has not been reported in the literature in individuals affected with BRCA1-related conditions. ClinVar contains an entry for this variant (Variation ID: 1364646). Invitae Evidence Modeling of protein sequence and biophysical properties (such as structural, functional, and spatial information, amino acid conservation, physicochemical variation, residue mobility, and thermodynamic stability) indicates that this missense variant is not expected to disrupt BRCA1 protein function with a negative predictive value of 80%. In summary, the available evidence is currently insufficient to determine the role of this variant in disease. Therefore, it has been classified as a Variant of Uncertain Significance.

University of Washington Department of Laboratory Medicine, University of Washington
Classification: Likely benign for Hereditary cancer-predisposing syndrome. Last evaluated: 2023-03-23. Review status: criteria provided, single submitter. Criteria: Dines et al. (Genet Med. 2020). Collection method: curation. Allele origin: germline.
Comment: Missense variant in a coldspot region where missense variants are very unlikely to be pathogenic (PMID:31911673).

BRCA1 coldspot (exon 11 using historical exon numbering). Reclassification based on statistical prior probability